The following is an entry in ClinVar:

NM_001242882.2(NAXD):c.319G>A (p.Val107Ile)

Gene: NAXD (NAD(P)HX dehydratase; plus strand). Cytogenetic location: 13q34.
Variant type: single nucleotide variant.
Coding change: c.319G>A on transcript NM_001242882.2 (MANE Select); coding-DNA position 319, G replaced by A.
Protein change: p.Val107Ile; replaces valine 107 with isoleucine.
Molecular consequence: missense variant. On other transcripts: non-coding transcript variant (1), intron variant (1).
Genome position (GRCh38, 1-based): chr13:110,625,265, G>A. VCF-style: chr13-110625265-G-A. GRCh37 (hg19) VCF-style: chr13-111277612-G-A.
Other names: c.373G>A, p.Val125Ile (NM_001242881.2, NM_018210.4); c.57-2174G>A (NM_001242883.2); c.373G>A (NM_018210.3); short protein forms V107I, V125I.
Identifiers: ClinVar variation 2043621 (VCV002043621.4), dbSNP rs147657999, ClinGen allele CA7051137.

ClinVar aggregate classification (germline): Conflicting classifications of pathogenicity. Review status: criteria provided, conflicting classifications (1 of 4 stars). 2 submissions from 2 submitters: Uncertain significance (1); Likely benign (1). Last evaluated 2023-09-01.

Conditions:
Inborn genetic diseases. Identifiers: MedGen C0950123, MeSH D030342.

Allele frequency attached by ClinVar (database versions not stated): ESP Exome Variant Server 0.00031; gnomAD 0.00051; TOPMed 0.00060; 1000 Genomes Project 30x 0.00062; 1000 Genomes Project 0.00080.
gnomAD v4.1: 170 of 1,612,202 alleles (0.011%); highest among the groups gnomAD compares: African/African-American, 0.16%; no homozygotes.

Submissions (2):

Ambry Genetics
Classification: Likely benign for Inborn genetic diseases. Last evaluated: 2023-09-01. Review status: criteria provided, single submitter. Criteria: Ambry Variant Classification Scheme 2023. Collection method: clinical testing. Allele origin: germline.

Labcorp Genetics (formerly Invitae), Labcorp
Classification: Uncertain significance. Last evaluated: 2023-08-28. Review status: criteria provided, single submitter. Criteria: Invitae Variant Classification Sherloc (09022015). Collection method: clinical testing. Allele origin: germline.
Comment: In summary, the available evidence is currently insufficient to determine the role of this variant in disease. Therefore, it has been classified as a Variant of Uncertain Significance. Advanced modeling of protein sequence and biophysical properties (such as structural, functional, and spatial information, amino acid conservation, physicochemical variation, residue mobility, and thermodynamic stability) performed at Invitae indicates that this missense variant is not expected to disrupt NAXD protein function. ClinVar contains an entry for this variant (Variation ID: 2043621). This variant has not been reported in the literature in individuals affected with NAXD-related conditions. This variant is present in population databases (rs147657999, gnomAD 0.1%). This sequence change replaces valine, which is neutral and non-polar, with isoleucine, which is neutral and non-polar, at codon 125 of the NAXD protein (p.Val125Ile).